The following is an entry in ClinVar:

NM_152383.5(DIS3L2):c.1544C>T (p.Pro515Leu)

Gene: DIS3L2 (DIS3 like 3'-5' exoribonuclease 2; plus strand). Cytogenetic location: 2q37.1.
Variant type: single nucleotide variant.
Coding change: c.1544C>T on transcript NM_152383.5 (MANE Select); coding-DNA position 1544, C replaced by T.
Protein change: p.Pro515Leu; replaces proline 515 with leucine.
Molecular consequence: missense variant. On other transcripts: non-coding transcript variant (2).
Genome position (GRCh38, 1-based): chr2:232,263,325, C>T. VCF-style: chr2-232263325-C-T. GRCh37 (hg19) VCF-style: chr2-233128035-C-T.
Other names: c.1544C>T, p.Pro515Leu (NM_001257281.2); short protein forms P515L.
Identifiers: ClinVar variation 531957 (VCV000531957.6), dbSNP rs756176597, ClinGen allele CA2164185.

ClinVar aggregate classification (germline): Uncertain significance (1 of 4 stars; one submission).

Conditions:
Perlman syndrome (PRLMNS). Identifiers: Orphanet 2849, MedGen C0796113, MONDO:0009965, OMIM 267000.

Allele frequency attached by ClinVar (database versions not stated): ExAC 0.00001; gnomAD exomes 0.00002.
gnomAD v4.1: 6 of 1,614,222 alleles (0.00037%); highest among the groups gnomAD compares: South Asian, 0.0066%; no homozygotes.

Submission:

Labcorp Genetics (formerly Invitae), Labcorp
Classification: Uncertain significance for Perlman syndrome. Last evaluated: 2025-04-17. Review status: criteria provided, single submitter. Criteria: Invitae Variant Classification Sherloc (09022015). Collection method: clinical testing. Allele origin: germline.
Comment: This sequence change replaces proline, which is neutral and non-polar, with leucine, which is neutral and non-polar, at codon 515 of the DIS3L2 protein (p.Pro515Leu). This variant is present in population databases (rs756176597, gnomAD 0.01%). This variant has not been reported in the literature in individuals affected with DIS3L2-related conditions. ClinVar contains an entry for this variant (Variation ID: 531957). An algorithm developed to predict the effect of missense changes on protein structure and function (PolyPhen-2) suggests that this variant is likely to be tolerated. In summary, the available evidence is currently insufficient to determine the role of this variant in disease. Therefore, it has been classified as a Variant of Uncertain Significance.